The following is an entry in ClinVar:

ClinVar aggregate classification (germline): Uncertain significance (1 of 4 stars; one submission).

Conditions:
CPE-related disorder. Also called: CPE-related condition.

gnomAD v4.1: 10 of 1,612,100 alleles (0.00062%); highest among the groups gnomAD compares: African/African-American, 0.013%; no homozygotes.

Submission:

PreventionGenetics, part of Exact Sciences
Classification: Uncertain significance for CPE-related condition. Last evaluated: 2026-03-16. Review status: criteria provided, single submitter. Criteria: ACMG Guidelines, 2015. Collection method: clinical testing. Allele origin: germline.
Comment: The CPE c.547C>G variant is predicted to result in the amino acid substitution p.Gln183Glu. To our knowledge, this variant has not been reported in the literature. This variant is reported in 0.016% of alleles in individuals of African descent in gnomAD. At this time, the clinical significance of this variant is uncertain due to the absence of conclusive functional and genetic evidence.

NM_001873.4(CPE):c.547C>G (p.Gln183Glu)

Gene: CPE (carboxypeptidase E; plus strand). Cytogenetic location: 4q32.3.
Variant type: single nucleotide variant.
Coding change: c.547C>G on transcript NM_001873.4 (MANE Select); coding-DNA position 547, C replaced by G.
Protein change: p.Gln183Glu; replaces glutamine 183 with glutamic acid.
Molecular consequence: missense variant.
Genome position (GRCh38, 1-based): chr4:165,467,730, C>G. VCF-style: chr4-165467730-C-G. GRCh37 (hg19) VCF-style: chr4-166388882-C-G.
Other names: short protein forms Q183E.
Identifiers: ClinVar variation 5000035 (VCV005000035.1).